The following is an entry in ClinVar:

NM_000213.5(ITGB4):c.3793C>T (p.Arg1265Ter)

Gene: ITGB4 (integrin subunit beta 4; plus strand). Cytogenetic location: 17q25.1.
Variant type: single nucleotide variant.
Coding change: c.3793C>T on transcript NM_000213.5 (MANE Select); coding-DNA position 3793, C replaced by T.
Protein change: p.Arg1265Ter; replaces arginine 1265 with a stop codon.
Molecular consequence: nonsense.
Genome position (GRCh38, 1-based): chr17:75,751,111, C>T. VCF-style: chr17-75751111-C-T. GRCh37 (hg19) VCF-style: chr17-73747192-C-T.
Other names: c.3793C>T, p.Arg1265Ter (NM_001005619.2, NM_001005731.3, NM_001321123.2); short protein forms R1265*.
Identifiers: ClinVar variation 2839008 (VCV002839008.3), dbSNP rs145202579, ClinGen allele CA8769935.
Genomic context (GRCh38, chr17:75,751,111, plus strand): 5'-GAGACCAACGGTGAGATCACAGCCTACGAGGTCTGCTATGGCCTGGTCAACGATGACAAC[C>T]GTAAGAACCAGATCCTTCTTTCCTGCCCACAGGGAGAACAGCCATGGAAGGGGAGGGGAC-3'

ClinVar aggregate classification (germline): Pathogenic (1 of 4 stars; one submission).

Allele frequency attached by ClinVar (database versions not stated): ExAC 0.00001; gnomAD 0.00001; gnomAD exomes 0.00001; ESP Exome Variant Server 0.00008.
gnomAD v4.1: 10 of 1,613,180 alleles (0.00062%); highest among the groups gnomAD compares: Non-Finnish European, 0.00085%; no homozygotes.

Submission:

Labcorp Genetics (formerly Invitae), Labcorp
Classification: Pathogenic. Last evaluated: 2023-11-06. Review status: criteria provided, single submitter. Criteria: Invitae Variant Classification Sherloc (09022015). Collection method: clinical testing. Allele origin: germline.
Comment: This sequence change creates a premature translational stop signal (p.Arg1265*) in the ITGB4 gene. It is expected to result in an absent or disrupted protein product. Loss-of-function variants in ITGB4 are known to be pathogenic (PMID: 11328943, 16473856). This variant is present in population databases (rs145202579, gnomAD 0.004%). This variant has not been reported in the literature in individuals affected with ITGB4-related conditions. For these reasons, this variant has been classified as Pathogenic.

Literature cited by the submitters: PubMed 11328943; PubMed 16473856.